The following is an entry in ClinVar:

ClinVar aggregate classification (germline): Uncertain significance. Review status: criteria provided, single submitter (1 of 4 stars). 2 submissions from 2 submitters: Uncertain significance (1). 1 of the submissions does not count toward it. Last evaluated 2021-10-25.

Conditions:
Anauxetic dysplasia. Identifiers: Orphanet 93347, MedGen C1846796, MONDO:0011773.
Metaphyseal chondrodysplasia, McKusick type (CHH). Also called: Cartilage-hair hypoplasia; Cartilage-Hair Hypoplasia (CHH). Identifiers: Orphanet 175, MedGen C0220748, MONDO:0009595, OMIM 250250.

Allele frequency attached by ClinVar (database versions not stated): TOPMed 0.00003.
gnomAD v4.1: 15 of 700,352 alleles (0.0021%); highest among the groups gnomAD compares: Admixed American, 0.01%; no homozygotes.

Submissions (2):

Labcorp Genetics (formerly Invitae), Labcorp
Classification: Uncertain significance for Anauxetic dysplasia. Last evaluated: 2021-10-25. Review status: criteria provided, single submitter. Criteria: Invitae Variant Classification Sherloc (09022015). Collection method: clinical testing. Allele origin: germline.
Comment: This variant occurs in the RMRP gene, which encodes an RNA molecule that does not result in a protein product. This variant is present in population databases (no rsID available, gnomAD 0.01%). This variant has not been reported in the literature in individuals affected with RMRP-related conditions. ClinVar contains an entry for this variant (Variation ID: 655668). Experimental studies and prediction algorithms are not available or were not evaluated, and the functional significance of this variant is currently unknown. In summary, the available evidence is currently insufficient to determine the role of this variant in disease. Therefore, it has been classified as a Variant of Uncertain Significance.

Natera, Inc.
Classification: Uncertain significance for Cartilage-hair hypoplasia. Last evaluated: 2020-01-17. Review status: no assertion criteria provided. Collection method: clinical testing. Allele origin: germline. Not counted in ClinVar's aggregate classification.

NR_003051.4(RMRP):n.144G>C

Gene: RMRP (RNA component of mitochondrial RNA processing endoribonuclease; minus strand). Cytogenetic location: 9p13.3.
Variant type: single nucleotide variant.
Genome position: GRCh38 VCF-style: chr9-35657876-C-G. GRCh37 (hg19) VCF-style: chr9-35657873-C-G.
Identifiers: ClinVar variation 655668 (VCV000655668.5), dbSNP rs113967059, ClinGen allele CA464450708.
Genomic context (GRCh38, chr9:35,657,876, plus strand): 5'-GGGAGCTGACGGATGACGCCCCCGCGCCACGCCGCTCAGCGGGATACGCTTCTTGGCGGA[C>G]TTTGGAGTGGGAAGCGGGGAATGTCTACGTGCGTATGCACGTGGCACTCTCTGCCCGAGG-3'